The following is an entry in ClinVar:

NM_000540.3(RYR1):c.6884T>C (p.Leu2295Pro)

Gene: RYR1 (ryanodine receptor 1; plus strand). Cytogenetic location: 19q13.2.
Variant type: single nucleotide variant.
Coding change: c.6884T>C on transcript NM_000540.3 (MANE Select); coding-DNA position 6884, T replaced by C.
Protein change: p.Leu2295Pro; replaces leucine 2295 with proline.
Molecular consequence: missense variant.
Genome position (GRCh38, 1-based): chr19:38,496,947, T>C. VCF-style: chr19-38496947-T-C. GRCh37 (hg19) VCF-style: chr19-38987587-T-C.
Other names: c.6884T>C, p.Leu2295Pro (NM_001042723.2); short protein forms L2295P.
Identifiers: ClinVar variation 432344 (VCV000432344.2), dbSNP rs1555782434, ClinGen allele CA405666653.

ClinVar aggregate classification (germline): Uncertain significance (1 of 4 stars; one submission).

Submission:

GeneDx
Classification: Uncertain significance. Last evaluated: 2017-05-31. Review status: criteria provided, single submitter. Criteria: GeneDx Variant Classification (06012015). Collection method: clinical testing. Allele origin: germline. Affected: yes.
Comment: The L2295P variant in the RYR1 gene has not been reported previously as a pathogenic variant, nor as a benign variant, to our knowledge. The L2295P variant is not observed in large population cohorts (Lek et al., 2016; 1000 Genomes Consortium et al., 2015; Exome Variant Server). The L2295P variant is a semi-conservative amino acid substitution, which may impact secondary protein structure as these residues differ in some properties. This substitution occurs at a position that is conserved across species. In silico analysis predicts this variant is probably damaging to the protein structure/function. We interpret L2295P as a variant of uncertain significance.